The following is an entry in ClinVar:

ClinVar aggregate classification (germline): Uncertain significance (1 of 4 stars; one submission).

Conditions:
Benign neonatal seizures. Also called: Benign neonatal familial convulsions; Benign familial neonatal seizures; Convulsions benign familial neonatal dominant form; Autosomal dominant form of benign neonatal seizures; Benign familial neonatal epilepsy. Identifiers: Orphanet 1949, MedGen C0220669, MONDO:0016027.

Allele frequency attached by ClinVar (database versions not stated): TOPMed below 0.00001; gnomAD 0.00001; gnomAD exomes 0.00001; ExAC 0.00002.
gnomAD v4.1: 13 of 1,613,950 alleles (0.00081%); highest among the groups gnomAD compares: Non-Finnish European, 0.00093%; no homozygotes.

Submission:

Labcorp Genetics (formerly Invitae), Labcorp
Classification: Uncertain significance for Benign neonatal seizures. Last evaluated: 2022-01-01. Review status: criteria provided, single submitter. Criteria: Invitae Variant Classification Sherloc (09022015). Collection method: clinical testing. Allele origin: germline.
Comment: In summary, the available evidence is currently insufficient to determine the role of this variant in disease. Therefore, it has been classified as a Variant of Uncertain Significance. Algorithms developed to predict the effect of missense changes on protein structure and function are either unavailable or do not agree on the potential impact of this missense change (SIFT: "Tolerated"; PolyPhen-2: "Probably Damaging"; Align-GVGD: "Class C0"). This missense change has been observed in individual(s) with clinical features of KCNQ3-related conditions (PMID: 33004838). This variant is present in population databases (rs772150176, gnomAD 0.002%). This sequence change replaces serine, which is neutral and polar, with leucine, which is neutral and non-polar, at codon 854 of the KCNQ3 protein (p.Ser854Leu).

Literature cited by the submitters: PubMed 33004838.

NM_004519.4(KCNQ3):c.2561C>T (p.Ser854Leu)

Gene: KCNQ3 (potassium voltage-gated channel subfamily Q member 3; minus strand). Cytogenetic location: 8q24.22.
Variant type: single nucleotide variant.
Coding change: c.2561C>T on transcript NM_004519.4 (MANE Select); coding-DNA position 2561, C replaced by T.
Protein change: p.Ser854Leu; replaces serine 854 with leucine.
Molecular consequence: missense variant.
Genome position (GRCh38, 1-based): chr8:132,129,320, G>A on the plus strand (C>T on the coding strand, the complement: KCNQ3 is on the minus strand). VCF-style: chr8-132129320-G-A. GRCh37 (hg19) VCF-style: chr8-133141567-G-A.
Other names: c.2201C>T, p.Ser734Leu (NM_001204824.2); short protein forms S734L, S854L.
Identifiers: ClinVar variation 1987910 (VCV001987910.4), dbSNP rs772150176, ClinGen allele CA4880413.